The following is an entry in ClinVar:

NM_003482.4(KMT2D):c.9728G>C (p.Ser3243Thr)

Gene: KMT2D (lysine methyltransferase 2D; minus strand). Cytogenetic location: 12q13.12.
Variant type: single nucleotide variant.
Coding change: c.9728G>C on transcript NM_003482.4 (MANE Select); coding-DNA position 9728, G replaced by C.
Protein change: p.Ser3243Thr; replaces serine 3243 with threonine.
Molecular consequence: missense variant.
Genome position (GRCh38, 1-based): chr12:49,037,628, C>G on the plus strand (G>C on the coding strand, the complement: KMT2D is on the minus strand). VCF-style: chr12-49037628-C-G. GRCh37 (hg19) VCF-style: chr12-49431411-C-G.
Other names: short protein forms S3243T.
Identifiers: ClinVar variation 2498556 (VCV002498556.31), dbSNP rs1943285309, ClinGen allele CA384736535.

ClinVar aggregate classification (germline): Uncertain significance. Review status: criteria provided, multiple submitters, no conflicts (2 of 4 stars). 4 submissions from 4 submitters: Uncertain significance (3). 1 of the submissions does not count toward it. Last evaluated 2026-01-28.

Conditions:
KMT2D-related disorder. Also called: KMT2D-Related Disorders.
Kabuki syndrome. Also called: NIIKAWA-KUROKI SYNDROME; Kabuki make-up syndrome. Identifiers: Orphanet 2322, MedGen C0796004, MONDO:0016512.

Allele frequency attached by ClinVar (database versions not stated): gnomAD exomes below 0.00001.
gnomAD v4.1: 5 of 1,565,880 alleles (0.00032%); highest among the groups gnomAD compares: Non-Finnish European, 0.00035%; no homozygotes.

Submissions (4):

Women's Health and Genetics/Laboratory Corporation of America, LabCorp
Classification: Uncertain significance. Last evaluated: 2026-01-28. Review status: criteria provided, single submitter. Criteria: LabCorp Variant Classification Summary - May 2015. Collection method: clinical testing. Allele origin: germline.
Comment: Variant summary: KMT2D c.9728G>C (p.Ser3243Thr) results in a conservative amino acid change in the encoded protein sequence. Algorithms developed to predict the effect of missense changes on protein structure and function are either unavailable or do not agree on the potential impact of this missense change. The variant was absent in 177508 control chromosomes. The available data on variant occurrences in the general population are insufficient to allow any conclusion about variant significance. c.9728G>C has been observed in the presumed heterozygous state in at least 2 individual(s) affected with cardiac abnormalities (example, Kubnek_2020, Sierant_2025), without strong evidence for causality. These report(s) do not provide unequivocal conclusions about association of the variant with KMT2D-related conditions. To our knowledge, no experimental evidence demonstrating an impact on protein function has been reported. The following publications have been ascertained in the context of this evaluation (PMID: 32235386, 40127276). ClinVar contains an entry for this variant (Variation ID: 2498556). Based on the evidence outlined above, the variant was classified as uncertain significance.

Labcorp Genetics (formerly Invitae), Labcorp
Classification: Uncertain significance for Kabuki syndrome. Last evaluated: 2024-05-04. Review status: criteria provided, single submitter. Criteria: Invitae Variant Classification Sherloc (09022015). Collection method: clinical testing. Allele origin: germline.
Comment: This sequence change replaces serine, which is neutral and polar, with threonine, which is neutral and polar, at codon 3243 of the KMT2D protein (p.Ser3243Thr). This variant is not present in population databases (gnomAD no frequency). This variant has not been reported in the literature in individuals affected with KMT2D-related conditions. ClinVar contains an entry for this variant (Variation ID: 2498556). Advanced modeling of protein sequence and biophysical properties (such as structural, functional, and spatial information, amino acid conservation, physicochemical variation, residue mobility, and thermodynamic stability) performed at Invitae indicates that this missense variant is not expected to disrupt KMT2D protein function with a negative predictive value of 95%. In summary, the available evidence is currently insufficient to determine the role of this variant in disease. Therefore, it has been classified as a Variant of Uncertain Significance.

CeGaT Center for Human Genetics Tuebingen
Classification: Uncertain significance. Last evaluated: 2023-04-01. Review status: criteria provided, single submitter. Criteria: CeGaT Center For Human Genetics Tuebingen Variant Classification Criteria Version 2. Collection method: clinical testing. Allele origin: germline. Affected: yes. Observed: 1 variant allele.
Comment: KMT2D: PM2

PreventionGenetics, part of Exact Sciences
Classification: Uncertain significance for KMT2D-related condition. Last evaluated: 2024-05-22. Review status: no assertion criteria provided. Collection method: clinical testing. Allele origin: germline. Not counted in ClinVar's aggregate classification.
Comment: The KMT2D c.9728G>C variant is predicted to result in the amino acid substitution p.Ser3243Thr. To our knowledge, this variant has not been reported in the literature or in a large population database, indicating this variant is rare. At this time, the clinical significance of this variant is uncertain due to the absence of conclusive functional and genetic evidence.

Literature cited by the submitters: PubMed 32235386 (cited by Women's Health and Genetics/Laboratory Corporation of America, LabCorp); PubMed 40127276 (cited by Women's Health and Genetics/Laboratory Corporation of America, LabCorp).